The following is an entry in ClinVar:

ClinVar aggregate classification (germline): Likely pathogenic (1 of 4 stars; one submission).

Conditions:
Autosomal recessive limb-girdle muscular dystrophy type 2J (LGMDR10). Also called: Limb-girdle muscular dystrophy, type 2J; MUSCULAR DYSTROPHY, LIMB-GIRDLE, AUTOSOMAL RECESSIVE 10. Identifiers: Orphanet 140922, MedGen C1837342, MONDO:0012127, OMIM 608807.
Dilated cardiomyopathy 1G (CMD1G). Identifiers: Orphanet 154, MedGen C1858763, MONDO:0011400, OMIM 604145.

Submission:

Labcorp Genetics (formerly Invitae), Labcorp
Classification: Likely pathogenic for Dilated cardiomyopathy 1G; Autosomal recessive limb-girdle muscular dystrophy type 2J. Last evaluated: 2025-08-13. Review status: criteria provided, single submitter. Criteria: Invitae Variant Classification Sherloc (09022015). Collection method: clinical testing. Allele origin: germline.
Comment: This sequence change creates a premature translational stop signal (p.Val19334Serfs*4) in the TTN gene. While this is not anticipated to result in nonsense mediated decay, it is expected to disrupt the last 16658 amino acid(s) of the TTN protein. This variant is not present in population databases (gnomAD no frequency). This variant has not been reported in the literature in individuals affected with TTN-related conditions. This variant is located in the A band of TTN (PMID: 25589632). Truncating variants in this region are significantly overrepresented in patients affected with dilated cardiomyopathy (PMID: 25589632). Truncating variants in this region have also been reported in individuals affected with autosomal recessive centronuclear myopathy (PMID: 23975875). In summary, the currently available evidence indicates that the variant is pathogenic, but additional data are needed to prove that conclusively. Therefore, this variant has been classified as Likely Pathogenic.

Literature cited by the submitters: PubMed 25589632; PubMed 23975875.

NM_001267550.2(TTN):c.57999dup (p.Val19334fs)

Genes: TTN (titin; minus strand), TTN-AS1 (TTN antisense RNA 1; plus strand). Cytogenetic location: 2q31.2.
Variant type: Duplication.
Coding change: c.57999dup on transcript NM_001267550.2 (MANE Select); coding-DNA position 57999, one base duplicated (A; older notation c.57999dupA).
Protein change: p.Val19334fs; shifts the reading frame from valine 19334.
Molecular consequence: frameshift variant.
Genome position (GRCh38, 1-based): chr2:178,594,495, T duplicated on the plus strand (A on the coding strand, the reverse complement: TTN is on the minus strand); the first of 3 consecutive T bases (chr2:178,594,495-178,594,497); duplicating any one gives the same sequence. VCF-style (leftmost placement, unchanged base first): chr2-178594494-C-CT. GRCh37 (hg19) VCF-style: chr2-179459221-C-CT.
Other names: c.53076dup, p.Val17693fs (NM_001256850.1); c.30804dup, p.Val10269fs (NM_003319.4); c.50295dup, p.Val16766fs (NM_133378.4); c.31179dup, p.Val10394fs (NM_133432.3); c.31380dup, p.Val10461fs (NM_133437.4); short protein forms V10269fs, V17693fs, V10394fs, V10461fs, V16766fs, V19334fs.
Identifiers: ClinVar variation 4785859 (VCV004785859.1).
Genomic context (GRCh38, chr2:178,594,494, plus strand): 5'-TATCACCTTCTTTTAAGCCTTTAACAGTGTATTTTCTGCTAAGCAAGTTGTCATTTGTAA[C>CT]TTTGTGGAACTTCTCAGTCCCAATGAGCCGACTTTCTAGGACATAGTTAATAATTTCTGA-3'